The following is an entry in ClinVar:

NM_014283.5(SUCO):c.2269G>A (p.Ala757Thr)

Gene: SUCO (SUN domain containing ossification factor; plus strand). Cytogenetic location: 1q24.3.
Variant type: single nucleotide variant.
Coding change: c.2269G>A on transcript NM_014283.5 (MANE Select); coding-DNA position 2269, G replaced by A.
Protein change: p.Ala757Thr; replaces alanine 757 with threonine.
Molecular consequence: missense variant. On other transcripts: intron variant (1).
Genome position (GRCh38, 1-based): chr1:172,589,370, G>A. VCF-style: chr1-172589370-G-A. GRCh37 (hg19) VCF-style: chr1-172558510-G-A.
Other names: c.580G>A, p.Ala194Thr (NM_001282751.2); c.2722G>A, p.Ala908Thr (NM_016227.4); c.1712+446G>A (NM_001282750.2); short protein forms A908T, A194T, A757T.
Identifiers: ClinVar variation 4762657 (VCV004762657.1).

ClinVar aggregate classification (germline): Uncertain significance (1 of 4 stars; one submission).

Submission:

Labcorp Genetics (formerly Invitae), Labcorp
Classification: Uncertain significance. Last evaluated: 2025-06-06. Review status: criteria provided, single submitter. Criteria: Invitae Variant Classification Sherloc (09022015). Collection method: clinical testing. Allele origin: germline.
Comment: This sequence change replaces alanine, which is neutral and non-polar, with threonine, which is neutral and polar, at codon 757 of the SUCO protein (p.Ala757Thr). This variant is not present in population databases (gnomAD no frequency). This variant has not been reported in the literature in individuals affected with SUCO-related conditions. An algorithm developed to predict the effect of missense changes on protein structure and function outputs the following: PolyPhen-2: "Benign". The threonine amino acid residue is found in multiple mammalian species, which suggests that this missense change does not adversely affect protein function. In summary, the available evidence is currently insufficient to determine the role of this variant in disease. Therefore, it has been classified as a Variant of Uncertain Significance.